The following is an entry in ClinVar:

ClinVar aggregate classification (germline): Uncertain significance. Review status: criteria provided, multiple submitters, no conflicts (2 of 4 stars). 3 submissions from 3 submitters: Uncertain significance (3). Last evaluated 2025-10-29.

Conditions:
Inborn genetic diseases. Identifiers: MedGen C0950123, MeSH D030342.
Koolen-de Vries syndrome (KDVS). Identifiers: Orphanet 96169, MedGen C1864871, MONDO:0012496, OMIM 610443.

Allele frequency attached by ClinVar (database versions not stated): gnomAD exomes below 0.00001 and 0.00001; TOPMed below 0.00001; gnomAD 0.00001; ExAC 0.00002.
gnomAD v4.1: 6 of 1,611,480 alleles (0.00037%); highest among the groups gnomAD compares: African/African-American, 0.004%; no homozygotes.

Submissions (3):

Labcorp Genetics (formerly Invitae), Labcorp
Classification: Uncertain significance for Koolen-de Vries syndrome. Last evaluated: 2025-10-29. Review status: criteria provided, single submitter. Criteria: Invitae Variant Classification Sherloc (09022015). Collection method: clinical testing. Allele origin: germline.
Comment: This sequence change replaces valine, which is neutral and non-polar, with methionine, which is neutral and non-polar, at codon 754 of the KANSL1 protein (p.Val754Met). This variant is present in population databases (rs773184800, gnomAD 0.007%). This variant has not been reported in the literature in individuals affected with KANSL1-related conditions. ClinVar contains an entry for this variant (Variation ID: 1036055). Invitae Evidence Modeling of protein sequence and biophysical properties (such as structural, functional, and spatial information, amino acid conservation, physicochemical variation, residue mobility, and thermodynamic stability) indicates that this missense variant is not expected to disrupt KANSL1 protein function with a negative predictive value of 80%. In summary, the available evidence is currently insufficient to determine the role of this variant in disease. Therefore, it has been classified as a Variant of Uncertain Significance.

Ambry Genetics
Classification: Uncertain significance for Inborn genetic diseases. Last evaluated: 2025-03-28. Review status: criteria provided, single submitter. Criteria: Ambry Variant Classification Scheme 2023. Collection method: clinical testing. Allele origin: germline.

Women's Health and Genetics/Laboratory Corporation of America, LabCorp
Classification: Uncertain significance. Last evaluated: 2024-09-19. Review status: criteria provided, single submitter. Criteria: LabCorp Variant Classification Summary - May 2015. Collection method: clinical testing. Allele origin: germline.
Comment: Variant summary: KANSL1 c.2260G>A (p.Val754Met) results in a conservative amino acid change in the encoded protein sequence. Five of five in-silico tools predict a benign effect of the variant on protein function. The variant allele was found at a frequency of 8e-06 in 248822 control chromosomes (gnomAD v2.1). The available data on variant occurrences in the general population are insufficient to allow any conclusion about variant significance. To our knowledge, no occurrence of c.2260G>A in individuals affected with Koolen-De Vries Syndrome and no experimental evidence demonstrating its impact on protein function have been reported. ClinVar contains an entry for this variant (Variation ID: 1036055). Based on the evidence outlined above, the variant was classified as uncertain significance.

NM_015443.4(KANSL1):c.2260G>A (p.Val754Met)

Gene: KANSL1 (KAT8 regulatory NSL complex subunit 1). Cytogenetic location: 17q21.31.
Variant type: single nucleotide variant.
Coding change: c.2260G>A on transcript NM_015443.4 (MANE Select); coding-DNA position 2260, G replaced by A.
Protein change: p.Val754Met; replaces valine 754 with methionine.
Molecular consequence: missense variant.
Genome position (GRCh38, 1-based): chr17:46,039,159, C>T on the plus strand (G>A on the coding strand, the complement: KANSL1 is on the minus strand). VCF-style: chr17-46039159-C-T. GRCh37 (hg19) VCF-style: chr17-44116525-C-T.
Other names: c.2260G>A (NM_001193466.1); c.2260G>A, p.Val754Met (NM_001193465.2, NM_001193466.2, NM_001379198.1); short protein forms V754M.
Identifiers: ClinVar variation 1036055 (VCV001036055.10), dbSNP rs773184800, ClinGen allele CA8618618.
Genomic context (GRCh38, chr17:46,039,159, plus strand): 5'-GGTTGAGCAAGCGCTCTGCTTTTGGCGCTGTCACTCGCTCCACCATGGGCACGGCCCCCA[C>T]ATCGTCTAAGTGCTGCCTGTGGGTCCTGTCAGGCCGGGTTTGGTGATGGGACAGCTCTGA-3'
Protein context (NP_056258.1, residues 744-764): DRTHRQHLDD[Val754Met]GAVPMVERVT